The following is an entry in ClinVar:

NM_001114753.3(ENG):c.773_781del (p.Tyr258_Ser260del)

Gene: ENG (endoglin; minus strand). Cytogenetic location: 9q34.11.
Variant type: Deletion.
Coding change: c.773_781del on transcript NM_001114753.3 (MANE Select); coding-DNA positions 773 to 781, 9 bases deleted (ACGTGTCCT; older notation c.773_781delACGTGTCCT).
Protein change: p.Tyr258_Ser260del.
Molecular consequence: inframe deletion.
Genome position (GRCh38, 1-based): chr9:127,825,266-127,825,274, AGGACACGT deleted on the plus strand (ACGTGTCCT on the coding strand, the reverse complement: ENG is on the minus strand); deleting any 9 consecutive bases within chr9:127,825,266-127,825,277 gives the same sequence; the c. name uses the placement nearest the transcript's 3' end. VCF-style (leftmost placement, unchanged base first): chr9-127825265-CAGGACACGT-C. GRCh37 (hg19) VCF-style: chr9-130587544-CAGGACACGT-C.
Other names: c.773_781del, p.Tyr258_Ser260del (NM_000118.4, NM_001406715.1); c.227_235del, p.Tyr76_Ser78del (NM_001278138.2).
Identifiers: ClinVar variation 4731344 (VCV004731344.1).

ClinVar aggregate classification (germline): Uncertain significance (1 of 4 stars; one submission).

Conditions:
Hereditary hemorrhagic telangiectasia (HHT). Also called: ORW DISEASE; Osler Weber Rendu syndrome; OSLER-RENDU-WEBER DISEASE; Osler hemorrhagic telangiectasia syndrome. Identifiers: Orphanet 774, MedGen C0039445, MONDO:0019180. Disease mechanism: loss of function.

Submission:

Labcorp Genetics (formerly Invitae), Labcorp
Classification: Uncertain significance for Hereditary hemorrhagic telangiectasia. Last evaluated: 2025-11-17. Review status: criteria provided, single submitter. Criteria: Invitae Variant Classification Sherloc (09022015). Collection method: clinical testing. Allele origin: germline.
Comment: This variant, c.773_781del, results in the deletion of 3 amino acid(s) of the ENG protein (p.Tyr258_Ser260del), but otherwise preserves the integrity of the reading frame. This variant is not present in population databases (gnomAD no frequency). This variant has been observed in individual(s) with clinical features of hereditary hemorrhagic telangiectasia (internal data). This variant disrupts a region of the ENG protein in which other variant(s) (p.Ser260Pro) have been observed in individuals with ENG-related conditions (PMID: 16542389). This suggests that this is a clinically significant region of the protein, and that variants that disrupt it are likely to be disease-causing. In summary, the available evidence is currently insufficient to determine the role of this variant in disease. Therefore, it has been classified as a Variant of Uncertain Significance.

Literature cited by the submitters: PubMed 16542389.